The following is an entry in ClinVar:

NM_000685.5(AGTR1):c.-47-10754G>A

Gene: AGTR1 (angiotensin II receptor type 1; plus strand). Cytogenetic location: 3q24.
Variant type: single nucleotide variant.
Coding change: c.-47-10754G>A on transcript NM_000685.5 (MANE Select); 10754 bases into the intron before 47 bases upstream of the start codon, G replaced by A.
Molecular consequence: intron variant. On other transcripts: 5 prime UTR variant (3).
Genome position (GRCh38, 1-based): chr3:148,730,235, G>A. VCF-style: chr3-148730235-G-A. GRCh37 (hg19) VCF-style: chr3-148448022-G-A.
Other names: c.-50G>A (NM_004835.5, NM_031850.4); c.-207G>A (NM_032049.4); c.-47-10754G>A (NM_001382737.1, NM_001382736.1, NM_009585.4).
Identifiers: ClinVar variation 4538716 (VCV004538716.1).

ClinVar aggregate classification (germline): Uncertain significance (1 of 4 stars; one submission).

gnomAD v4.1: 21 of 398,360 alleles (0.0053%); highest among the groups gnomAD compares: African/African-American, 0.031%; no homozygotes.

Submission:

GeneDx
Classification: Uncertain significance. Last evaluated: 2025-06-17. Review status: criteria provided, single submitter. Criteria: GeneDx Variant Classification Process June 2021. Collection method: clinical testing. Allele origin: germline. Affected: yes.
Comment: In silico analysis suggests that this missense variant does not alter protein structure/function; Has not been previously published as pathogenic or benign to our knowledge